The following is an entry in ClinVar:

ClinVar aggregate classification (germline): Uncertain significance (1 of 4 stars; one submission).

Conditions:
Tumor predisposition syndrome 3 (TPDS3). Also called: Melanoma, cutaneous malignant, susceptibility to, 10; Glioma susceptibility 9; LONG TELOMERE SYNDROME, POT1-RELATED; POT1 Tumor Predisposition. Identifiers: Orphanet 618, MedGen C4014476, MONDO:0014368, OMIM 615848.

Submission:

Labcorp Genetics (formerly Invitae), Labcorp
Classification: Uncertain significance for Tumor predisposition syndrome 3. Last evaluated: 2024-04-17. Review status: criteria provided, single submitter. Criteria: Invitae Variant Classification Sherloc (09022015). Collection method: clinical testing. Allele origin: germline.
Comment: This sequence change replaces serine, which is neutral and polar, with threonine, which is neutral and polar, at codon 528 of the POT1 protein (p.Ser528Thr). This variant is not present in population databases (gnomAD no frequency). This variant has not been reported in the literature in individuals affected with POT1-related conditions. Advanced modeling of protein sequence and biophysical properties (such as structural, functional, and spatial information, amino acid conservation, physicochemical variation, residue mobility, and thermodynamic stability) performed at Invitae indicates that this missense variant is not expected to disrupt POT1 protein function with a negative predictive value of 80%. In summary, the available evidence is currently insufficient to determine the role of this variant in disease. Therefore, it has been classified as a Variant of Uncertain Significance.

NM_015450.3(POT1):c.1582T>A (p.Ser528Thr)

Gene: POT1 (protection of telomeres 1; minus strand). Cytogenetic location: 7q31.33.
Variant type: single nucleotide variant.
Coding change: c.1582T>A on transcript NM_015450.3 (MANE Select); coding-DNA position 1582, T replaced by A.
Protein change: p.Ser528Thr; replaces serine 528 with threonine.
Molecular consequence: missense variant. On other transcripts: non-coding transcript variant (2).
Genome position (GRCh38, 1-based): chr7:124,829,266, A>T on the plus strand (T>A on the coding strand, the complement: POT1 is on the minus strand). VCF-style: chr7-124829266-A-T. GRCh37 (hg19) VCF-style: chr7-124469320-A-T.
Other names: c.1189T>A, p.Ser397Thr (NM_001042594.2); short protein forms S528T, S397T.
Identifiers: ClinVar variation 3650203 (VCV003650203.2).